The following is an entry in ClinVar:

NM_001146156.2(GSK3B):c.715+200del

Gene: GSK3B (glycogen synthase kinase 3 beta; minus strand). Cytogenetic location: 3q13.33.
Variant type: Deletion.
Coding change: c.715+200del on transcript NM_001146156.2 (MANE Select); 200 bases into the intron after coding-DNA position 715, one base deleted (T; older notation c.715+200delT).
Molecular consequence: intron variant.
Genome position (GRCh38, 1-based): chr3:119,912,504, A deleted on the plus strand (T on the coding strand, the reverse complement: GSK3B is on the minus strand); the first of 12 consecutive A bases (chr3:119,912,504-119,912,515); deleting any one gives the same sequence. VCF-style (leftmost placement, unchanged base first): chr3-119912503-TA-T. GRCh37 (hg19) VCF-style: chr3-119631350-TA-T.
Other names: c.715+200del (NM_001354596.2, NM_002093.4).
Identifiers: ClinVar variation 4795415 (VCV004795415.1).

ClinVar aggregate classification (germline): Likely benign (1 of 4 stars; one submission).

Submission:

GeneDx
Classification: Likely benign. Last evaluated: 2019-08-15. Review status: criteria provided, single submitter. Criteria: GeneDx Variant Classification Process June 2021. Collection method: clinical testing. Allele origin: germline. Affected: yes.
Comment: See Variant Classification Assertion Criteria.